The following is an entry in ClinVar:

NM_002335.4(LRP5):c.167C>T (p.Thr56Ile)

Gene: LRP5 (LDL receptor related protein 5; plus strand). Cytogenetic location: 11q13.2.
Variant type: single nucleotide variant.
Coding change: c.167C>T on transcript NM_002335.4 (MANE Select); coding-DNA position 167, C replaced by T.
Protein change: p.Thr56Ile; replaces threonine 56 with isoleucine.
Molecular consequence: missense variant. On other transcripts: 5 prime UTR variant (1).
Genome position (GRCh38, 1-based): chr11:68,347,922, C>T. VCF-style: chr11-68347922-C-T. GRCh37 (hg19) VCF-style: chr11-68115390-C-T.
Other names: c.167C>T (NM_002335.3); c.-1599C>T (NM_001291902.2); short protein forms T56I.
Identifiers: ClinVar variation 2090003 (VCV002090003.6), dbSNP rs1315886028, ClinGen allele CA381610201.

ClinVar aggregate classification (germline): Uncertain significance. Review status: criteria provided, multiple submitters, no conflicts (2 of 4 stars). 3 submissions from 3 submitters: Uncertain significance (3). Last evaluated 2025-09-23.

Conditions:
LRP5-related disorder. Also called: LRP5-related condition.
Bone mineral density quantitative trait locus 1 (BMND1). Identifiers: MedGen C1866079, OMIM 601884.
Exudative vitreoretinopathy 4 (EVR4). Identifiers: Orphanet 891, MedGen C1866176, MONDO:0011151, OMIM 601813.
Worth disease. Also called: ENDOSTEAL HYPEROSTOSIS, AUTOSOMAL DOMINANT; OSTEOSCLEROSIS, AUTOSOMAL DOMINANT; Autosomal dominant osteosclerosis, Worth type. Identifiers: Orphanet 2790, MedGen C0432273, MONDO:0007764, OMIM 144750.
Autosomal dominant osteopetrosis 1 (OPTA1). Also called: OSTEOPETROSIS, AUTOSOMAL DOMINANT, TYPE I. Identifiers: Orphanet 2783, MedGen C1843330, MONDO:0011877, OMIM 607634.
Polycystic liver disease 4 with or without kidney cysts. Identifiers: MedGen C4693479, MONDO:0044327, OMIM 617875.
Osteoporosis with pseudoglioma (OPPG). Also called: osteoporosis-pseudoglioma syndrome. Identifiers: Orphanet 2788, MedGen C0432252, MONDO:0009820, OMIM 259770.

Allele frequency attached by ClinVar (database versions not stated): gnomAD 0.00001; TOPMed 0.00001.
gnomAD v4.1: 5 of 1,613,610 alleles (0.00031%); highest among the groups gnomAD compares: Non-Finnish European, 0.00042%; no homozygotes.

Submissions (3):

PreventionGenetics, part of Exact Sciences
Classification: Uncertain significance for LRP5-related condition. Last evaluated: 2025-09-23. Review status: criteria provided, single submitter. Criteria: ACMG Guidelines, 2015. Collection method: clinical testing. Allele origin: germline.
Comment: The LRP5 c.167C>T variant is predicted to result in the amino acid substitution p.Thr56Ile. To our knowledge, this variant has not been reported in the literature or in a large population database (gnomAD), indicating this variant is rare. At this time, the clinical significance of this variant is uncertain due to the absence of conclusive functional and genetic evidence.

Fulgent Genetics
Classification: Uncertain significance for Worth disease; Osteoporosis with pseudoglioma; Exudative vitreoretinopathy 4; Bone mineral density quantitative trait locus 1; Autosomal dominant osteopetrosis 1; Polycystic liver disease 4 with or without kidney cysts. Last evaluated: 2024-05-20. Review status: criteria provided, single submitter. Criteria: ACMG Guidelines, 2015. Collection method: clinical testing. Allele origin: germline.

Labcorp Genetics (formerly Invitae), Labcorp
Classification: Uncertain significance. Last evaluated: 2023-07-07. Review status: criteria provided, single submitter. Criteria: Invitae Variant Classification Sherloc (09022015). Collection method: clinical testing. Allele origin: germline.
Comment: This sequence change replaces threonine, which is neutral and polar, with isoleucine, which is neutral and non-polar, at codon 56 of the LRP5 protein (p.Thr56Ile). This variant is not present in population databases (gnomAD no frequency). This variant has not been reported in the literature in individuals affected with LRP5-related conditions. ClinVar contains an entry for this variant (Variation ID: 2090003). Advanced modeling of protein sequence and biophysical properties (such as structural, functional, and spatial information, amino acid conservation, physicochemical variation, residue mobility, and thermodynamic stability) performed at Invitae indicates that this missense variant is not expected to disrupt LRP5 protein function. In summary, the available evidence is currently insufficient to determine the role of this variant in disease. Therefore, it has been classified as a Variant of Uncertain Significance.